The following is an entry in ClinVar:

NM_001567.4(INPPL1):c.637A>G (p.Thr213Ala)

Gene: INPPL1 (inositol polyphosphate phosphatase like 1; plus strand). Cytogenetic location: 11q13.4.
Variant type: single nucleotide variant.
Coding change: c.637A>G on transcript NM_001567.4 (MANE Select); coding-DNA position 637, A replaced by G.
Protein change: p.Thr213Ala; replaces threonine 213 with alanine.
Molecular consequence: missense variant.
Genome position (GRCh38, 1-based): chr11:72,229,208, A>G. VCF-style: chr11-72229208-A-G. GRCh37 (hg19) VCF-style: chr11-71940252-A-G.
Other names: c.637A>G (NM_001567.3); short protein forms T213A.
Identifiers: ClinVar variation 1046549 (VCV001046549.30), dbSNP rs138340411, ClinGen allele CA6169724.

ClinVar aggregate classification (germline): Uncertain significance. Review status: criteria provided, multiple submitters, no conflicts (2 of 4 stars). 4 submissions from 4 submitters: Uncertain significance (4). Last evaluated 2025-02-10.

Conditions:
Inborn genetic diseases. Identifiers: MedGen C0950123, MeSH D030342.

Allele frequency attached by ClinVar (database versions not stated): 1000 Genomes Project 0.00020; 1000 Genomes Project 30x 0.00031; gnomAD 0.00031 and 0.00053; gnomAD exomes 0.00053 and 0.00060; ExAC 0.00063; ESP Exome Variant Server 0.00069; TOPMed 0.00074.
gnomAD v4.1: 945 of 1,611,554 alleles (0.059%); highest among the groups gnomAD compares: Non-Finnish European, 0.071%; 2 homozygotes.

Submissions (4):

GeneDx
Classification: Uncertain significance. Last evaluated: 2025-02-10. Review status: criteria provided, single submitter. Criteria: GeneDx Variant Classification Process June 2021. Collection method: clinical testing. Allele origin: germline. Affected: yes.
Comment: In silico analysis indicates that this missense variant does not alter protein structure/function; Has not been previously published as pathogenic or benign to our knowledge

Labcorp Genetics (formerly Invitae), Labcorp
Classification: Uncertain significance. Last evaluated: 2023-12-22. Review status: criteria provided, single submitter. Criteria: Invitae Variant Classification Sherloc (09022015). Collection method: clinical testing. Allele origin: germline.
Comment: This sequence change replaces threonine, which is neutral and polar, with alanine, which is neutral and non-polar, at codon 213 of the INPPL1 protein (p.Thr213Ala). This variant is present in population databases (rs138340411, gnomAD 0.09%), and has an allele count higher than expected for a pathogenic variant. This variant has not been reported in the literature in individuals affected with INPPL1-related conditions. ClinVar contains an entry for this variant (Variation ID: 1046549). An algorithm developed to predict the effect of missense changes on protein structure and function (PolyPhen-2) suggests that this variant¬†is likely to be tolerated. In summary, the available evidence is currently insufficient to determine the role of this variant in disease. Therefore, it has been classified as a Variant of Uncertain Significance.

CeGaT Center for Human Genetics Tuebingen
Classification: Uncertain significance. Last evaluated: 2022-12-01. Review status: criteria provided, single submitter. Criteria: CeGaT Center For Human Genetics Tuebingen Variant Classification Criteria Version 2. Collection method: clinical testing. Allele origin: germline. Affected: yes. Observed: 1 variant allele.

Ambry Genetics
Classification: Uncertain significance for Inborn genetic diseases. Last evaluated: 2021-07-15. Review status: criteria provided, single submitter. Criteria: Ambry Variant Classification Scheme 2023. Collection method: clinical testing. Allele origin: germline.